The following is an entry in ClinVar:

ClinVar aggregate classification (germline): Uncertain significance. Review status: criteria provided, multiple submitters, no conflicts (2 of 4 stars). 2 submissions from 2 submitters: Uncertain significance (2). Last evaluated 2024-01-19.

Conditions:
Primary ciliary dyskinesia 6. Also called: Primary Ciliary Dyskinesia 6: TXNDC3-Related Primary Ciliary Dyskinesia. Identifiers: Orphanet 244, MedGen C1970506, MONDO:0012571, OMIM 610852.

Allele frequency attached by ClinVar (database versions not stated): gnomAD exomes 0.00001.

Submissions (2):

Labcorp Genetics (formerly Invitae), Labcorp
Classification: Uncertain significance for Primary ciliary dyskinesia 6. Last evaluated: 2024-01-19. Review status: criteria provided, single submitter. Criteria: Invitae Variant Classification Sherloc (09022015). Collection method: clinical testing. Allele origin: germline.
Comment: This sequence change replaces glycine, which is neutral and non-polar, with aspartic acid, which is acidic and polar, at codon 381 of the NME8 protein (p.Gly381Asp). This variant is not present in population databases (gnomAD no frequency). This variant has not been reported in the literature in individuals affected with NME8-related conditions. An algorithm developed to predict the effect of missense changes on protein structure and function (PolyPhen-2) suggests that this variant is likely to be tolerated. In summary, the available evidence is currently insufficient to determine the role of this variant in disease. Therefore, it has been classified as a Variant of Uncertain Significance.

Blueprint Genetics
Classification: Uncertain significance. Last evaluated: 2023-01-12. Review status: criteria provided, single submitter. Criteria: ACMG Guidelines, 2015. Collection method: clinical testing. Allele origin: germline.

NM_016616.5(NME8):c.1142G>A (p.Gly381Asp)

Gene: NME8 (NME/NM23 family member 8; plus strand). Cytogenetic location: 7p14.1.
Variant type: single nucleotide variant.
Coding change: c.1142G>A on transcript NM_016616.5 (MANE Select); coding-DNA position 1142, G replaced by A.
Protein change: p.Gly381Asp; replaces glycine 381 with aspartic acid.
Molecular consequence: missense variant.
Genome position (GRCh38, 1-based): chr7:37,885,147, G>A. VCF-style: chr7-37885147-G-A. GRCh37 (hg19) VCF-style: chr7-37924749-G-A.
Other names: short protein forms G381D.
Identifiers: ClinVar variation 2919393 (VCV002919393.4), dbSNP rs1785021570, ClinGen allele CA367215897.
Genomic context (GRCh38, chr7:37,885,147, plus strand): 5'-ATAATTAGCTACTGAGCTACACTTCTTATTACCTCTTCTTTGTTTTCTTTTCTAATAGTG[G>A]TCCATCTCTAGCCCTTGTTTTATTGAGAGACAATGGCTTGCAATACTGGAAACAATTACT-3'
Protein context (NP_057700.3, residues 371-391): FNKLIENMTS[Gly381Asp]PSLALVLLRD